The following is an entry in ClinVar:

NM_001190274.2(FBXO11):c.661A>G (p.Ile221Val)

Gene: FBXO11 (F-box protein 11; minus strand). Cytogenetic location: 2p16.3.
Variant type: single nucleotide variant.
Coding change: c.661A>G on transcript NM_001190274.2 (MANE Select); coding-DNA position 661, A replaced by G.
Protein change: p.Ile221Val; replaces isoleucine 221 with valine.
Molecular consequence: missense variant.
Genome position (GRCh38, 1-based): chr2:47,835,928, T>C on the plus strand (A>G on the coding strand, the complement: FBXO11 is on the minus strand). VCF-style: chr2-47835928-T-C. GRCh37 (hg19) VCF-style: chr2-48063067-T-C.
Other names: c.409A>G, p.Ile137Val (NM_001374325.1, NM_025133.4); short protein forms I221V, I137V.
Identifiers: ClinVar variation 3093587 (VCV003093587.4), dbSNP rs201891349, ClinGen allele CA1650059.

ClinVar aggregate classification (germline): Uncertain significance. Review status: criteria provided, multiple submitters, no conflicts (2 of 4 stars). 2 submissions from 2 submitters: Uncertain significance (2). Last evaluated 2025-12-09.

Conditions:
Inborn genetic diseases. Identifiers: MedGen C0950123, MeSH D030342.

Allele frequency attached by ClinVar (database versions not stated): ExAC 0.00001; gnomAD 0.00002; TOPMed 0.00002.
gnomAD v4.1: 49 of 1,611,902 alleles (0.003%); highest among the groups gnomAD compares: Non-Finnish European, 0.004%; no homozygotes.

Submissions (2):

Ambry Genetics
Classification: Uncertain significance for Inborn genetic diseases. Last evaluated: 2025-12-09. Review status: criteria provided, single submitter. Criteria: Ambry Variant Classification Scheme 2023. Collection method: clinical testing. Allele origin: germline.

Labcorp Genetics (formerly Invitae), Labcorp
Classification: Uncertain significance. Last evaluated: 2024-06-07. Review status: criteria provided, single submitter. Criteria: Invitae Variant Classification Sherloc (09022015). Collection method: clinical testing. Allele origin: germline.
Comment: This sequence change replaces isoleucine, which is neutral and non-polar, with valine, which is neutral and non-polar, at codon 221 of the FBXO11 protein (p.Ile221Val). This variant is present in population databases (rs201891349, gnomAD 0.0009%). This variant has not been reported in the literature in individuals affected with FBXO11-related conditions. An algorithm developed to predict the effect of missense changes on protein structure and function (PolyPhen-2) suggests that this variant is likely to be tolerated. In summary, the available evidence is currently insufficient to determine the role of this variant in disease. Therefore, it has been classified as a Variant of Uncertain Significance.